The following is an entry in ClinVar:

ClinVar aggregate classification (germline): Likely benign (0 of 4 stars; one submission).

Conditions:
DPYSL2-related disorder. Also called: DPYSL2-related condition.

Submission:

PreventionGenetics, part of Exact Sciences
Classification: Likely benign for DPYSL2-related condition. Last evaluated: 2024-05-10. Review status: no assertion criteria provided. Collection method: clinical testing. Allele origin: germline.
Comment: This variant is classified as likely benign based on ACMG/AMP sequence variant interpretation guidelines (Richards et al. 2015 PMID: 25741868, with internal and published modifications).

NM_001197293.3(DPYSL2):c.1509A>G (p.Lys503=)

Gene: DPYSL2 (dihydropyrimidinase like 2; plus strand). Cytogenetic location: 8p21.2.
Variant type: single nucleotide variant.
Coding change: c.1509A>G on transcript NM_001197293.3 (MANE Select); coding-DNA position 1509, A replaced by G.
Protein change: p.Lys503=; no amino-acid change (lysine 503 retained).
Molecular consequence: synonymous variant.
Genome position (GRCh38, 1-based): chr8:26,647,713, A>G. VCF-style: chr8-26647713-A-G. GRCh37 (hg19) VCF-style: chr8-26505229-A-G.
Other names: c.1086A>G, p.Lys362= (NM_001244604.2); c.1194A>G, p.Lys398= (NM_001386.6).
Identifiers: ClinVar variation 3358133 (VCV003358133.1).